The following is an entry in ClinVar:

NM_015102.5(NPHP4):c.3980del (p.Gln1327fs)

Gene: NPHP4 (nephrocystin 4; minus strand). Cytogenetic location: 1p36.31.
Variant type: Deletion.
Coding change: c.3980del on transcript NM_015102.5 (MANE Select); coding-DNA position 3980, one base deleted (A; older notation c.3980delA).
Protein change: p.Gln1327fs; shifts the reading frame from glutamine 1327.
Molecular consequence: frameshift variant. On other transcripts: non-coding transcript variant (1).
Genome position (GRCh38, 1-based): chr1:5,864,354, T deleted on the plus strand (A on the coding strand, the reverse complement: NPHP4 is on the minus strand). VCF-style (leftmost placement, unchanged base first): chr1-5864353-CT-C. GRCh37 (hg19) VCF-style: chr1-5924413-CT-C.
Other names: c.2441del, p.Gln814fs (NM_001291593.2); c.2444del, p.Gln815fs (NM_001291594.2); short protein forms Q814fs, Q1327fs, Q815fs.
Identifiers: ClinVar variation 4719173 (VCV004719173.1).
Genomic context (GRCh38, chr1:5,864,353, plus strand): 5'-ATTGAGCCCCCATCCCCTCAGCCTGTGCCTGCCACACATACAGACCTTGGAGATGAGCGG[CT>C]GGCGGCAGCAGAGGCACACGAGCCAGGAGGCCACCAGCTGGTGGCAATCCACGTCCACCA-3'

ClinVar aggregate classification (germline): Uncertain significance (1 of 4 stars; one submission).

Conditions:
Nephronophthisis. Also called: Juvenile Nephronophthisis. Identifiers: Orphanet 655, MedGen C0687120, MONDO:0019005, HP:0000090.

Submission:

Labcorp Genetics (formerly Invitae), Labcorp
Classification: Uncertain significance for Nephronophthisis. Last evaluated: 2026-01-19. Review status: criteria provided, single submitter. Criteria: Invitae Variant Classification Sherloc (09022015). Collection method: clinical testing. Allele origin: germline.
Comment: This sequence change creates a premature translational stop signal (p.Gln1327Argfs*79) in the NPHP4 gene. While this is not anticipated to result in nonsense mediated decay, it is expected to disrupt the last 100 amino acid(s) of the NPHP4 protein. This variant is not present in population databases (gnomAD no frequency). This variant has not been reported in the literature in individuals affected with NPHP4-related conditions. Experimental studies and prediction algorithms are not available or were not evaluated, and the functional significance of this variant is currently unknown. In summary, the available evidence is currently insufficient to determine the role of this variant in disease. Therefore, it has been classified as a Variant of Uncertain Significance.